The following is an entry in ClinVar:

NM_000426.4(LAMA2):c.4685A>G (p.His1562Arg)

Gene: LAMA2 (laminin subunit alpha 2; plus strand). Cytogenetic location: 6q22.33.
Variant type: single nucleotide variant.
Coding change: c.4685A>G on transcript NM_000426.4 (MANE Select); coding-DNA position 4685, A replaced by G.
Protein change: p.His1562Arg; replaces histidine 1562 with arginine.
Molecular consequence: missense variant.
Genome position (GRCh38, 1-based): chr6:129,353,325, A>G. VCF-style: chr6-129353325-A-G. GRCh37 (hg19) VCF-style: chr6-129674470-A-G.
Other names: p.His1562Arg; c.4685A>G, p.His1562Arg (NM_001079823.2); short protein forms H1562R.
Identifiers: ClinVar variation 950883 (VCV000950883.8), dbSNP rs767903280, ClinGen allele CA3993628.

ClinVar aggregate classification (germline): Conflicting classifications of pathogenicity. Review status: criteria provided, conflicting classifications (1 of 4 stars). 4 submissions from 4 submitters: Uncertain significance (3); Likely benign (1). Last evaluated 2025-01-06.

Conditions:
LAMA2-related muscular dystrophy (LAMA2-RD). Also called: Laminin alpha 2-related dystrophy. Identifiers: MedGen C5679788, MONDO:0100228.
Inborn genetic diseases. Identifiers: MedGen C0950123, MeSH D030342.

Allele frequency attached by ClinVar (database versions not stated): ExAC 0.00002; gnomAD exomes 0.00002; gnomAD 0.00003 and 0.00004; TOPMed 0.00008.
gnomAD v4.1: 29 of 1,613,976 alleles (0.0018%); highest among the groups gnomAD compares: Admixed American, 0.005%; no homozygotes.

Submissions (4):

Labcorp Genetics (formerly Invitae), Labcorp
Classification: Uncertain significance for LAMA2-related muscular dystrophy. Last evaluated: 2025-01-06. Review status: criteria provided, single submitter. Criteria: Invitae Variant Classification Sherloc (09022015). Collection method: clinical testing. Allele origin: germline.
Comment: This sequence change replaces histidine, which is basic and polar, with arginine, which is basic and polar, at codon 1562 of the LAMA2 protein (p.His1562Arg). This variant is present in population databases (rs767903280, gnomAD 0.004%). This variant has not been reported in the literature in individuals affected with LAMA2-related conditions. ClinVar contains an entry for this variant (Variation ID: 950883). Invitae Evidence Modeling of protein sequence and biophysical properties (such as structural, functional, and spatial information, amino acid conservation, physicochemical variation, residue mobility, and thermodynamic stability) indicates that this missense variant is not expected to disrupt LAMA2 protein function with a negative predictive value of 95%. In summary, the available evidence is currently insufficient to determine the role of this variant in disease. Therefore, it has been classified as a Variant of Uncertain Significance.

Mayo Clinic Laboratories, Mayo Clinic
Classification: Uncertain significance. Last evaluated: 2024-08-21. Review status: criteria provided, single submitter. Criteria: ACMG Guidelines, 2015. Collection method: clinical testing. Allele origin: germline. Observed: 1 variant allele.
Comment: BP4, PM2

Ambry Genetics
Classification: Likely benign for Inborn genetic diseases. Last evaluated: 2023-06-16. Review status: criteria provided, single submitter. Criteria: Ambry Variant Classification Scheme 2023. Collection method: clinical testing. Allele origin: germline.

GeneDx
Classification: Uncertain significance. Last evaluated: 2022-10-05. Review status: criteria provided, single submitter. Criteria: GeneDx Variant Classification Process June 2021. Collection method: clinical testing. Allele origin: germline. Affected: yes.
Comment: Not observed at significant frequency in large population cohorts (gnomAD); In silico analysis supports that this missense variant does not alter protein structure/function; Has not been previously published as pathogenic or benign to our knowledge